The following is an entry in ClinVar:

NM_000642.3(AGL):c.3639G>C (p.Gln1213His)

Gene: AGL (amylo-alpha-1,6-glucosidase and 4-alpha-glucanotransferase; plus strand). Cytogenetic location: 1p21.2.
Variant type: single nucleotide variant.
Coding change: c.3639G>C on transcript NM_000642.3 (MANE Select); coding-DNA position 3639, G replaced by C.
Protein change: p.Gln1213His; replaces glutamine 1213 with histidine.
Molecular consequence: missense variant.
Genome position (GRCh38, 1-based): chr1:99,902,733, G>C. VCF-style: chr1-99902733-G-C. GRCh37 (hg19) VCF-style: chr1-100368289-G-C.
Other names: c.3639G>C, p.Gln1213His (NM_000028.3, NM_000643.3, NM_000644.3 and 1 more transcripts); c.3591G>C, p.Gln1197His (NM_000646.3); c.3618G>C, p.Gln1206His (NM_001425326.1); c.3438G>C, p.Gln1146His (NM_001425327.1); c.3435G>C, p.Gln1145His (NM_001425328.1); c.3300G>C, p.Gln1100His (NM_001425329.1); c.3261G>C, p.Gln1087His (NM_001425332.1); short protein forms Q1213H, Q1197H, Q1087H, Q1100H, Q1145H, Q1146H, Q1206H.
Identifiers: ClinVar variation 1028851 (VCV001028851.3), dbSNP rs1213904866, ClinGen allele CA341334712.
Genomic context (GRCh38, chr1:99,902,733, plus strand): 5'-TCTCAAACAGGATCAGCCATTGTTTGAAGTCATACAGGAAGCAATGCAAAAACACATGCA[G>C]GGCATACAGTTCCGAGAAAGGAATGCTGGTCCCCAGATAGATCGAAACATGAAGGACGAA-3'
Protein context (NP_000633.2, residues 1203-1223): VIQEAMQKHM[Gln1213His]GIQFRERNAG

ClinVar aggregate classification (germline): Uncertain significance. Review status: criteria provided, multiple submitters, no conflicts (2 of 4 stars). 3 submissions from 3 submitters: Uncertain significance (3). Last evaluated 2023-04-11.

Conditions:
Glycogen storage disease type III (GSD3). Also called: FORBES DISEASE; Cori disease. Identifiers: Orphanet 366, MedGen C0017922, MONDO:0009291, OMIM 232400.

Allele frequency attached by ClinVar (database versions not stated): gnomAD exomes below 0.00001; gnomAD 0.00001; TOPMed 0.00001.
gnomAD v4.1: 3 of 1,613,440 alleles (0.00019%); highest among the groups gnomAD compares: Admixed American, 0.0017%; no homozygotes.

Submissions (3):

Genome-Nilou Lab
Classification: Uncertain significance for Glycogen storage disease type III. Last evaluated: 2023-04-11. Review status: criteria provided, single submitter. Criteria: ACMG Guidelines, 2015. Collection method: clinical testing. Allele origin: germline. Affected: no.

Labcorp Genetics (formerly Invitae), Labcorp
Classification: Uncertain significance for Glycogen storage disease type III. Last evaluated: 2022-06-12. Review status: criteria provided, single submitter. Criteria: Invitae Variant Classification Sherloc (09022015). Collection method: clinical testing. Allele origin: germline.
Comment: This sequence change replaces glutamine, which is neutral and polar, with histidine, which is basic and polar, at codon 1213 of the AGL protein (p.Gln1213His). This variant is not present in population databases (gnomAD no frequency). This variant has not been reported in the literature in individuals affected with AGL-related conditions. ClinVar contains an entry for this variant (Variation ID: 1028851). Algorithms developed to predict the effect of missense changes on protein structure and function are either unavailable or do not agree on the potential impact of this missense change (SIFT: "Deleterious"; PolyPhen-2: "Possibly Damaging"; Align-GVGD: "Class C0"). In summary, the available evidence is currently insufficient to determine the role of this variant in disease. Therefore, it has been classified as a Variant of Uncertain Significance.

Baylor Genetics
Classification: Uncertain significance for Glycogen storage disease type III. Last evaluated: 2019-02-22. Review status: criteria provided, single submitter. Criteria: ACMG Guidelines, 2015. Collection method: clinical testing. Allele origin: paternal. Affected: yes.
Comment: This variant was determined to be of uncertain significance according to ACMG Guidelines, 2015 [PMID:25741868].